The following is an entry in ClinVar:

NM_001376.5(DYNC1H1):c.7779G>C (p.Leu2593Phe)

Gene: DYNC1H1 (dynein cytoplasmic 1 heavy chain 1; plus strand). Cytogenetic location: 14q32.31.
Variant type: single nucleotide variant.
Coding change: c.7779G>C on transcript NM_001376.5 (MANE Select); coding-DNA position 7779, G replaced by C.
Protein change: p.Leu2593Phe; replaces leucine 2593 with phenylalanine.
Molecular consequence: missense variant.
Genome position (GRCh38, 1-based): chr14:102,016,930, G>C. VCF-style: chr14-102016930-G-C. GRCh37 (hg19) VCF-style: chr14-102483267-G-C.
Other names: short protein forms L2593F.
Identifiers: ClinVar variation 1029331 (VCV001029331.1), dbSNP rs2048330336, ClinGen allele CA391002937.

ClinVar aggregate classification (germline): Uncertain significance (1 of 4 stars; one submission).

Conditions:
Cortical dysplasia, complex, with other brain malformations 13. Also called: Intellectual disability, autosomal dominant 13. Identifiers: MedGen C3281202, MONDO:0013805, OMIM 614563.

Submission:

Baylor Genetics
Classification: Uncertain significance for Cortical dysplasia, complex, with other brain malformations 13. Last evaluated: 2020-09-20. Review status: criteria provided, single submitter. Criteria: ACMG Guidelines, 2015. Collection method: clinical testing. Allele origin: unknown. Affected: yes.
Comment: This variant was determined to be of uncertain significance according to ACMG Guidelines, 2015 [PMID:25741868].